The following is an entry in ClinVar:

ClinVar aggregate classification (germline): Likely benign (0 of 4 stars; one submission).

Conditions:
ABR-related disorder. Also called: ABR-related condition.

Allele frequency attached by ClinVar (database versions not stated): TOPMed 0.00002; gnomAD 0.00015; gnomAD exomes 0.00022; ExAC 0.00054; 1000 Genomes Project 30x 0.00109; 1000 Genomes Project 0.00140.
gnomAD v4.1: 352 of 1,614,196 alleles (0.022%); highest among the groups gnomAD compares: South Asian, 0.36%; 2 homozygotes.

Submission:

PreventionGenetics, part of Exact Sciences
Classification: Likely benign for ABR-related condition. Last evaluated: 2020-05-21. Review status: no assertion criteria provided. Collection method: clinical testing. Allele origin: germline.
Comment: This variant is classified as likely benign based on ACMG/AMP sequence variant interpretation guidelines (Richards et al. 2015 PMID: 25741868, with internal and published modifications).

NM_021962.5(ABR):c.1507T>C (p.Tyr503His)

Gene: ABR (ABR activator of RhoGEF and GTPase; minus strand). Cytogenetic location: 17p13.3.
Variant type: single nucleotide variant.
Coding change: c.1507T>C on transcript NM_021962.5 (MANE Select); coding-DNA position 1507, T replaced by C.
Protein change: p.Tyr503His; replaces tyrosine 503 with histidine.
Molecular consequence: missense variant.
Genome position (GRCh38, 1-based): chr17:1,056,089, A>G on the plus strand (T>C on the coding strand, the complement: ABR is on the minus strand). VCF-style: chr17-1056089-A-G. GRCh37 (hg19) VCF-style: chr17-959329-A-G.
Other names: c.1396T>C, p.Tyr466His (NM_001092.5); c.1369T>C, p.Tyr457His (NM_001159746.3, NM_001322840.2); c.853T>C, p.Tyr285His (NM_001282149.2); c.2284T>C, p.Tyr762His (NM_001322841.2); short protein forms Y285H, Y457H, Y466H, Y503H, Y762H.
Identifiers: ClinVar variation 3055066 (VCV003055066.2), dbSNP rs573129548, ClinGen allele CA8265133.